The following is an entry in ClinVar:

ClinVar aggregate classification (germline): drug response (0 of 4 stars; one submission).

Conditions:
Thalidomide response. Identifiers: MedGen CN297989.

Submission:

Rare Diseases Genetics and Genomics, Islamia College Peshawar
Classification: drug response for Thalidomide response. Review status: no assertion criteria provided. Collection method: research. Allele origin: germline. Affected: yes.
Comment: this variant was associated with excellent response to thalidomide (achieving transfusion independence)

NM_002747.4(MAPK4):c.112G>A (p.Val38Met)

Gene: MAPK4 (mitogen-activated protein kinase 4; plus strand). Cytogenetic location: 18q21.1.
Variant type: single nucleotide variant.
Coding change: c.112G>A on transcript NM_002747.4 (MANE Select); coding-DNA position 112, G replaced by A.
Protein change: p.Val38Met; replaces valine 38 with methionine.
Molecular consequence: missense variant. On other transcripts: intron variant (1).
Genome position (GRCh38, 1-based): chr18:50,664,070, G>A. VCF-style: chr18-50664070-G-A. GRCh37 (hg19) VCF-style: chr18-48190440-G-A.
Other names: c.112G>A, p.Val38Met (NM_001292040.2); c.-87-51009G>A (NM_001292039.2); short protein forms V38M.
Identifiers: ClinVar variation 3900041 (VCV003900041.1).
Genomic context (GRCh38, chr18:50,664,070, plus strand): 5'-GGGCGCTTTGTTGACTTCCAACCCCTGGGCTTCGGTGTCAATGGTTTGGTGCTGTCGGCC[G>A]TGGACAGCCGGGCCTGCCGGAAGGTCGCTGTGAAGAAGATTGCCCTGAGCGATGCCCGCA-3'
Protein context (NP_002738.2, residues 28-48): FGVNGLVLSA[Val38Met]DSRACRKVAV